The following is an entry in ClinVar:

NM_004364.5(CEBPA):c.326C>A (p.Pro109Gln)

Gene: CEBPA (CCAAT enhancer binding protein alpha; minus strand). Cytogenetic location: 19q13.11.
Variant type: single nucleotide variant.
Coding change: c.326C>A on transcript NM_004364.5 (MANE Select); coding-DNA position 326, C replaced by A.
Protein change: p.Pro109Gln; replaces proline 109 with glutamine.
Molecular consequence: missense variant. On other transcripts: 5 prime UTR variant (1).
Genome position (GRCh38, 1-based): chr19:33,302,089, G>T on the plus strand (C>A on the coding strand, the complement: CEBPA is on the minus strand). VCF-style: chr19-33302089-G-T. GRCh37 (hg19) VCF-style: chr19-33792995-G-T.
Other names: c.-32C>A (NM_001285829.2); c.431C>A, p.Pro144Gln (NM_001287424.2); c.284C>A, p.Pro95Gln (NM_001287435.2); short protein forms P109Q, P95Q, P144Q.
Identifiers: ClinVar variation 4225042 (VCV004225042.1).

ClinVar aggregate classification (germline): Uncertain significance (1 of 4 stars; one submission).

Conditions:
Inborn genetic diseases. Identifiers: MedGen C0950123, MeSH D030342.

Submission:

Ambry Genetics
Classification: Uncertain significance for Inborn genetic diseases. Last evaluated: 2025-07-28. Review status: criteria provided, single submitter. Criteria: Ambry Variant Classification Scheme 2023. Collection method: clinical testing. Allele origin: germline.
Comment: The p.P109Q variant (also known as c.326C>A), located in coding exon 1 of the CEBPA gene, results from a C to A substitution at nucleotide position 326. The proline at codon 109 is replaced by glutamine, an amino acid with similar properties. This amino acid position is conserved. In addition, this alteration is predicted to be tolerated by in silico analysis. Based on the available evidence, the clinical significance of this variant remains unclear.